The following is an entry in ClinVar:

ClinVar aggregate classification (germline): Uncertain significance (1 of 4 stars; one submission).

gnomAD v4.1: 3 of 1,613,870 alleles (0.00019%); highest among the groups gnomAD compares: Non-Finnish European, 0.00025%; no homozygotes.

Submission:

Ambry Genetics
Classification: Uncertain significance. Last evaluated: 2025-08-20. Review status: criteria provided, single submitter. Criteria: Ambry Variant Classification Scheme 2023. Collection method: clinical testing. Allele origin: germline.
Comment: The p.S393C variant (also known as c.1178C>G), located in coding exon 1 of the TET2 gene, results from a C to G substitution at nucleotide position 1178. The serine at codon 393 is replaced by cysteine, an amino acid with dissimilar properties. This amino acid position is conserved. In addition, this alteration is predicted to be tolerated by in silico analysis. Based on the available evidence, the clinical significance of this variant remains unclear.

NM_001127208.3(TET2):c.1178C>G (p.Ser393Cys)

Genes: TET2 (tet methylcytosine dioxygenase 2; plus strand), TET2-AS1 (TET2 antisense RNA 1; minus strand). Cytogenetic location: 4q24.
Variant type: single nucleotide variant.
Coding change: c.1178C>G on transcript NM_001127208.3 (MANE Select); coding-DNA position 1178, C replaced by G.
Protein change: p.Ser393Cys; replaces serine 393 with cysteine.
Molecular consequence: missense variant.
Genome position (GRCh38, 1-based): chr4:105,235,120, C>G. VCF-style: chr4-105235120-C-G. GRCh37 (hg19) VCF-style: chr4-106156277-C-G.
Other names: c.1178C>G, p.Ser393Cys (NM_017628.4); short protein forms S393C.
Identifiers: ClinVar variation 4183023 (VCV004183023.1).